The following is an entry in ClinVar:

ClinVar aggregate classification (germline): Likely benign (1 of 4 stars; one submission).

Submission:

CeGaT Center for Human Genetics Tuebingen
Classification: Likely benign. Last evaluated: 2026-06-01. Review status: criteria provided, single submitter. Criteria: CeGaT Center For Human Genetics Tuebingen Variant Classification Criteria Version 2. Collection method: clinical testing. Allele origin: germline. Affected: yes. Observed: 6 variant alleles.
Comment: ARID1B: BS1

NM_001374828.1(ARID1B):c.19GCG[5] (p.Ala12_Ala14del)

Genes: ARID1B (AT-rich interaction domain 1B; plus strand), LOC115308161 (uncharacterized LOC115308161; minus strand), LOC129997522 (ATAC-STARR-seq lymphoblastoid silent region 17709; plus strand). Cytogenetic location: 6q25.3.
Variant type: Microsatellite.
Coding change: c.19GCG[5] on transcript NM_001374828.1 (MANE Select); five copies in a row of the 3-base unit GCG starting at c.19; the reference has eight copies in a row; three copies, 9 bases deleted.
Protein change: p.Ala12_Ala14del.
Molecular consequence: inframe deletion.
Genome position (GRCh38, 1-based): chr6:156,777,714-156,777,722, GCGGCGGCG deleted; deleting any 9 consecutive bases within chr6:156,777,699-156,777,722 gives the same sequence; the position shown is the placement nearest the transcript's 3' end. VCF-style (leftmost placement, unchanged base first): chr6-156777698-AGCGGCGGCG-A. GRCh37 (hg19) VCF-style: chr6-157098832-AGCGGCGGCG-A.
Other names: c.19GCG[5], p.Ala12_Ala14del (NM_001371656.1, NM_001374820.1, NM_017519.3).
Identifiers: ClinVar variation 2673087 (VCV002673087.23), dbSNP rs1046451353, ClinGen allele CA571627070.